The following is an entry in ClinVar:

NM_001320.7(CSNK2B):c.419_420delinsTA (p.Cys140Leu)

Gene: CSNK2B (casein kinase 2 beta; plus strand). Cytogenetic location: 6p21.33.
Variant type: Indel.
Coding change: c.419_420delinsTA on transcript NM_001320.7 (MANE Select); coding-DNA positions 419 to 420, GC replaced by TA.
Protein change: p.Cys140Leu; replaces cysteine 140 with leucine.
Molecular consequence: missense variant.
Genome position (GRCh38, 1-based): chr6:31,669,370-31,669,371, GC replaced by TA. VCF-style: chr6-31669370-GC-TA. GRCh37 (hg19) VCF-style: chr6-31637147-GC-TA.
Other names: c.410_411delinsTA, p.Cys137Leu (NM_001282385.2); short protein forms C137L, C140L.
Identifiers: ClinVar variation 3372177 (VCV003372177.1).

ClinVar aggregate classification (germline): Uncertain significance (1 of 4 stars; one submission).

Submission:

GeneDx
Classification: Uncertain significance. Last evaluated: 2024-04-07. Review status: criteria provided, single submitter. Criteria: GeneDx Variant Classification Process June 2021. Collection method: clinical testing. Allele origin: germline. Affected: yes.
Comment: Not observed at significant frequency in large population cohorts (gnomAD); In silico analysis supports a deleterious effect on protein structure/function; Has not been previously published as pathogenic or benign to our knowledge